The following is an entry in ClinVar:

NM_003489.4(NRIP1):c.3287C>G (p.Ala1096Gly)

Gene: NRIP1 (nuclear receptor interacting protein 1; minus strand). Cytogenetic location: 21q11.2.
Variant type: single nucleotide variant.
Coding change: c.3287C>G on transcript NM_003489.4 (MANE Select); coding-DNA position 3287, C replaced by G.
Protein change: p.Ala1096Gly; replaces alanine 1096 with glycine.
Molecular consequence: missense variant.
Genome position (GRCh38, 1-based): chr21:14,964,906, G>C on the plus strand (C>G on the coding strand, the complement: NRIP1 is on the minus strand). VCF-style: chr21-14964906-G-C. GRCh37 (hg19) VCF-style: chr21-16337227-G-C.
Other names: short protein forms A1096G.
Identifiers: ClinVar variation 2080245 (VCV002080245.6), dbSNP rs769841069, ClinGen allele CA9980997.

ClinVar aggregate classification (germline): Uncertain significance. Review status: criteria provided, multiple submitters, no conflicts (2 of 4 stars). 2 submissions from 2 submitters: Uncertain significance (2). Last evaluated 2025-08-28.

Conditions:
Inborn genetic diseases. Identifiers: MedGen C0950123, MeSH D030342.

Allele frequency attached by ClinVar (database versions not stated): gnomAD 0.00001; TOPMed 0.00001; ExAC 0.00002.
gnomAD v4.1: 24 of 1,613,184 alleles (0.0015%); highest among the groups gnomAD compares: Non-Finnish European, 0.0019%; no homozygotes.

Submissions (2):

Ambry Genetics
Classification: Uncertain significance for Inborn genetic diseases. Last evaluated: 2025-08-28. Review status: criteria provided, single submitter. Criteria: Ambry Variant Classification Scheme 2023. Collection method: clinical testing. Allele origin: germline.

Labcorp Genetics (formerly Invitae), Labcorp
Classification: Uncertain significance. Last evaluated: 2022-06-23. Review status: criteria provided, single submitter. Criteria: Invitae Variant Classification Sherloc (09022015). Collection method: clinical testing. Allele origin: germline.
Comment: In summary, the available evidence is currently insufficient to determine the role of this variant in disease. Therefore, it has been classified as a Variant of Uncertain Significance. Algorithms developed to predict the effect of missense changes on protein structure and function are either unavailable or do not agree on the potential impact of this missense change (SIFT: "Tolerated"; PolyPhen-2: "Possibly Damaging"; Align-GVGD: "Class C0"). This variant has not been reported in the literature in individuals affected with NRIP1-related conditions. This variant is present in population databases (rs769841069, gnomAD 0.003%). This sequence change replaces alanine, which is neutral and non-polar, with glycine, which is neutral and non-polar, at codon 1096 of the NRIP1 protein (p.Ala1096Gly).